The following is an entry in ClinVar:

NM_017636.4(TRPM4):c.379G>A (p.Gly127Ser)

Gene: TRPM4 (transient receptor potential cation channel subfamily M member 4; plus strand). Cytogenetic location: 19q13.33.
Variant type: single nucleotide variant.
Coding change: c.379G>A on transcript NM_017636.4 (MANE Select); coding-DNA position 379, G replaced by A.
Protein change: p.Gly127Ser; replaces glycine 127 with serine.
Molecular consequence: missense variant. On other transcripts: intron variant (4).
Genome position (GRCh38, 1-based): chr19:49,168,028, G>A. VCF-style: chr19-49168028-G-A. GRCh37 (hg19) VCF-style: chr19-49671285-G-A.
Other names: c.379G>A, p.Gly127Ser (NM_001195227.2); c.-1105-232G>A (NM_001321282.2); c.268-525G>A (NM_001321281.2); c.-74-232G>A (NM_001321283.2); c.-237-525G>A (NM_001321285.2); short protein forms G127S.
Identifiers: ClinVar variation 417913 (VCV000417913.6), dbSNP rs368769982, ClinGen allele CA9568799.
Genomic context (GRCh38, chr19:49,168,028, plus strand): 5'-ACACGCACATGGGGCTTCCGTGCCCCGAACCTGGTGGTGTCAGTGCTGGGGGGATCGGGG[G>A]GCCCCGTCCTCCAGACCTGGCTGCAGGACCTGCTGCGTCGTGGGCTGGTGCGGGCTGCCC-3'
Protein context (NP_060106.2, residues 117-137): LVVSVLGGSG[Gly127Ser]PVLQTWLQDL

ClinVar aggregate classification (germline): Uncertain significance. Review status: criteria provided, multiple submitters, no conflicts (2 of 4 stars). 3 submissions from 3 submitters: Uncertain significance (2). 1 of the submissions does not count toward it. Last evaluated 2026-07-26.

Conditions:
Cardiovascular phenotype. Identifiers: MedGen CN230736.
Progressive familial heart block type IB (PFHB1B). Identifiers: Orphanet 871, MedGen C1970298, MONDO:0011474, OMIM 604559.

Allele frequency attached by ClinVar (database versions not stated): gnomAD exomes 0.00001; ExAC 0.00001.
gnomAD v4.1: 13 of 1,613,198 alleles (0.00081%); highest among the groups gnomAD compares: Non-Finnish European, 0.0011%; no homozygotes.

Submissions (3):

Ambry Genetics
Classification: Uncertain significance for Cardiovascular phenotype. Last evaluated: 2026-07-26. Review status: criteria provided, single submitter. Criteria: Ambry Variant Classification Scheme 2023. Collection method: clinical testing. Allele origin: germline.
Comment: The p.G127S variant (also known as c.379G>A), located in coding exon 4 of the TRPM4 gene, results from a G to A substitution at nucleotide position 379. The glycine at codon 127 is replaced by serine, an amino acid with similar properties. This amino acid position is conserved. In addition, this alteration is predicted to be tolerated by in silico analysis. Based on the available evidence, the clinical significance of this variant remains unclear.

Labcorp Genetics (formerly Invitae), Labcorp
Classification: Uncertain significance for Progressive familial heart block type IB. Last evaluated: 2024-10-13. Review status: criteria provided, single submitter. Criteria: Invitae Variant Classification Sherloc (09022015). Collection method: clinical testing. Allele origin: germline.
Comment: This sequence change replaces glycine, which is neutral and non-polar, with serine, which is neutral and polar, at codon 127 of the TRPM4 protein (p.Gly127Ser). This variant is present in population databases (rs368769982, gnomAD 0.003%). This variant has not been reported in the literature in individuals affected with TRPM4-related conditions. ClinVar contains an entry for this variant (Variation ID: 417913). An algorithm developed to predict the effect of missense changes on protein structure and function outputs the following: PolyPhen-2: "Benign". The serine amino acid residue is found in multiple mammalian species, which suggests that this missense change does not adversely affect protein function. In summary, the available evidence is currently insufficient to determine the role of this variant in disease. Therefore, it has been classified as a Variant of Uncertain Significance.

Division of Human Genetics, Children's Hospital of Philadelphia
Classification: Uncertain significance for Progressive familial heart block type IB. Last evaluated: 2015-11-21. Review status: no assertion criteria provided. Collection method: research. Allele origin: maternal. Affected: yes. Study: CSER-PediSeq. Not counted in ClinVar's aggregate classification.